The following is an entry in ClinVar:

ClinVar aggregate classification (germline): Likely pathogenic (1 of 4 stars; one submission).

Conditions:
Anemia, nonspherocytic hemolytic, due to G6PD deficiency (CNSHA1). Also called: ANEMIA, CONGENITAL, NONSPHEROCYTIC HEMOLYTIC, 1; Class I glucose-6-phosphate dehydrogenase deficiency; Favism, susceptibility to; Hemolytic anemia due to G6PD deficiency. Identifiers: Orphanet 466026, MedGen C2720289, MONDO:0010480, OMIM 300908.

Submission:

Dunham Lab, University of Washington
Classification: Likely pathogenic for Anemia, nonspherocytic hemolytic, due to G6PD deficiency. Last evaluated: 2022-08-12. Review status: criteria provided, single submitter. Criteria: Bayesian ACMG Guidelines, 2018. Collection method: curation. Allele origin: unknown. Affected: yes.
Comment: Not observed in gnomAD (PM2). Post_P 0.949 (odds of pathogenicity 168.4, Prior_P 0.1).

Literature cited by the submitters: PubMed 18046504.

NM_001360016.2(G6PD):c.94C>G (p.His32Asp)

Genes: G6PD (glucose-6-phosphate dehydrogenase; minus strand), IKBKG (inhibitor of nuclear factor kappa B kinase regulatory subunit gamma; plus strand). Cytogenetic location: Xq28.
Variant type: single nucleotide variant.
Coding change: c.94C>G on transcript NM_001360016.2 (MANE Select); coding-DNA position 94, C replaced by G.
Protein change: p.His32Asp; replaces histidine 32 with aspartic acid.
Molecular consequence: missense variant. On other transcripts: intron variant (4).
Genome position (GRCh38, 1-based): chrX:154,546,062, G>C on the plus strand (C>G on the coding strand, the complement: G6PD is on the minus strand). VCF-style: chrX-154546062-G-C. GRCh37 (hg19) VCF-style: chrX-153774277-G-C.
Other names: c.184C>G, p.His62Asp (NM_000402.4); c.94C>G, p.His32Asp (NM_001042351.3); c.-16+4671G>C (NM_001377312.1, NM_001377313.1); c.189+3610G>C (NM_001099856.6); c.-16+3675G>C (NM_001321396.3); short protein forms H32D, H62D.
Identifiers: ClinVar variation 1722692 (VCV001722692.2), dbSNP rs2070702973, ClinGen allele CA415202005.